The following is an entry in ClinVar:

NM_001042492.3(NF1):c.7830dup (p.Thr2611fs)

Gene: NF1 (neurofibromin 1; plus strand). Cytogenetic location: 17q11.2.
Variant type: Duplication.
Coding change: c.7830dup on transcript NM_001042492.3 (MANE Select); coding-DNA position 7830, one base duplicated (T; older notation c.7830dupT).
Protein change: p.Thr2611fs; shifts the reading frame from threonine 2611.
Molecular consequence: frameshift variant.
Genome position (GRCh38, 1-based): chr17:31,357,051, T duplicated; the last of 2 consecutive T bases (chr17:31,357,050-31,357,051); duplicating either gives the same sequence. VCF-style (leftmost placement, unchanged base first): chr17-31357049-C-CT. GRCh37 (hg19) VCF-style: chr17-29684067-C-CT.
Other names: c.7767dupT (NM_000267.3); c.7767dup, p.Thr2590Tyrfs (NM_000267.4); short protein forms T2611fs, T2590fs.
Identifiers: ClinVar variation 4026872 (VCV004026872.1).
Genomic context (GRCh38, chr17:31,357,049, plus strand): 5'-CACCCACATTTACGTAAAGTTTCAGTGTCTGAATCAAATGTTCTCTTGGATGAAGAAGTA[C>CT]TTACTGATCCGAAGATCCAGGCGCTGCTTCTTACTGTTCTAGTAAGGATTTCCCCTTTTT-3'

ClinVar aggregate classification (germline): Pathogenic (1 of 4 stars; one submission).

Conditions:
Cardiovascular phenotype. Identifiers: MedGen CN230736.
Hereditary cancer-predisposing syndrome. Also called: Tumor predisposition; Hereditary neoplastic syndrome; Neoplastic Syndromes, Hereditary; Hereditary Cancer Syndrome. Identifiers: Orphanet 140162, MedGen C0027672, MeSH D009386, MONDO:0015356.

Submission:

Ambry Genetics
Classification: Pathogenic for Cardiovascular phenotype; Hereditary cancer-predisposing syndrome. Last evaluated: 2025-05-29. Review status: criteria provided, single submitter. Criteria: Ambry Variant Classification Scheme 2023. Collection method: clinical testing. Allele origin: germline.
Comment: The c.7767dupT pathogenic mutation, located in coding exon 52 of the NF1 gene, results from a duplication of T at nucleotide position 7767, causing a translational frameshift with a predicted alternate stop codon (p.T2590Yfs*2). This variant was reported in individual(s) with features consistent with neurofibromatosis type 1 (NF1) (Ambry internal data). This variant is considered to be rare based on population cohorts in the Genome Aggregation Database (gnomAD). This alteration is expected to result in loss of function by premature protein truncation or nonsense-mediated mRNA decay. As such, this alteration is interpreted as a disease-causing mutation.